The following is an entry in ClinVar:

ClinVar aggregate classification (germline): Pathogenic. Review status: criteria provided, multiple submitters, no conflicts (2 of 4 stars). 20 submissions from 18 submitters: Pathogenic (17). 3 of the submissions do not count toward it. Last evaluated 2026-07-09.

Conditions:
Neuropathy, hereditary motor and sensory, type 6A (HMSN6A). Also called: NEUROPATHY, HEREDITARY MOTOR AND SENSORY, TYPE VIA; HMSN VIA; CHARCOT-MARIE-TOOTH DISEASE, TYPE 6A; NEUROPATHY, HEREDITARY MOTOR AND SENSORY, TYPE VIA, WITH OPTIC ATROPHY. Identifiers: MedGen CN305336, MONDO:0011002, OMIM 601152.
Charcot-Marie-Tooth disease, axonal, autosomal recessive, type 2a2b;. Also called: Charcot-Marie-Tooth disease, axonal, autosomal recessive, type 2A2B; Charcot-Marie-Tooth disease, axonal, type 2A2B. Identifiers: MedGen C4310725, MONDO:0014906, OMIM 617087.
Inborn genetic diseases. Identifiers: MedGen C0950123, MeSH D030342.
MFN2-related disorder. Also called: MFN2-related disorders; MFN2-related condition.
Charcot-Marie-Tooth disease. Also called: Charcot-Marie-Tooth Hereditary Neuropathy; Charcot-Marie-Tooth Neuropathy. Identifiers: Orphanet 166, MedGen C0007959, MONDO:0015626.
Charcot-Marie-Tooth disease type 2. Also called: Charcot-Marie-Tooth type 2. Identifiers: Orphanet 64746, MedGen C0270914, MONDO:0018993.
Charcot-Marie-Tooth disease type 2A2. Also called: CHARCOT-MARIE-TOOTH DISEASE, AXONAL, AUTOSOMAL DOMINANT, TYPE 2A2A; CHARCOT-MARIE-TOOTH DISEASE, AXONAL, TYPE 2A2; CHARCOT-MARIE-TOOTH DISEASE, NEURONAL, TYPE 2A2; Charcot-Marie-Tooth Neuropathy Type 2A2; HEREDITARY MOTOR AND SENSORY NEUROPATHY IIA2; HMSN IIA2. Identifiers: Orphanet 99947, MedGen C4721887, MONDO:0012231, OMIM 609260.

Allele frequency attached by ClinVar (database versions not stated): gnomAD exomes below 0.00001.

Submissions 1 to 9 of 20:

PreventionGenetics, part of Exact Sciences
Classification: Pathogenic for MFN2-related condition. Last evaluated: 2026-07-09. Review status: criteria provided, single submitter. Criteria: ACMG Guidelines, 2015. Collection method: clinical testing. Allele origin: germline.
Comment: The MFN2 c.281G>A variant is predicted to result in the amino acid substitution p.Arg94Gln. This variant has been reported in many unrelated individuals with autosomal dominant Charcot-Marie-Tooth disease, type 2A (CMT2A) (Zuchner et al. 2004. PubMed ID: 15064763; Hoebeke et al. 2018. PubMed ID: 30340945; Høyer et al. 2014. PubMed ID: 25025039; Sharma et al. 2022. PubMed ID: 35936615) and has been reported to segregate with disease in a large family (Klein et al. 2014. PubMed ID: 24604904). A mouse model with this variant recapitulates a range of features observed in CMT2A patients (Zhou et al. 2019. PubMed ID: 30882371) and other functional studies indicate this variant disrupts normal MFN2 functions (Wolf et al. 2019. PubMed ID: 31640251; Misko et al. 2010. PubMed ID: 20335458). This variant is reported in 0.00088% of alleles in individuals of European (non-Finnish) descent in gnomAD. This variant is interpreted as pathogenic.

Labcorp Genetics (formerly Invitae), Labcorp
Classification: Pathogenic for Charcot-Marie-Tooth disease type 2. Last evaluated: 2025-11-12. Review status: criteria provided, single submitter. Criteria: Invitae Variant Classification Sherloc (09022015). Collection method: clinical testing. Allele origin: germline.
Comment: This sequence change replaces arginine, which is basic and polar, with glutamine, which is neutral and polar, at codon 94 of the MFN2 protein (p.Arg94Gln). This variant is present in population databases (rs28940291, gnomAD 0.0009%). This missense change has been observed in individual(s) with Charcot-Marie-Tooth disease (PMID: 15064763, 16714318, 17437620, 18996695, 19889647, 24604904, 25025039). In at least one individual the variant was observed to be de novo. It has also been observed to segregate with disease in related individuals. ClinVar contains an entry for this variant (Variation ID: 2268). Invitae Evidence Modeling of protein sequence and biophysical properties (such as structural, functional, and spatial information, amino acid conservation, physicochemical variation, residue mobility, and thermodynamic stability) indicates that this missense variant is expected to disrupt MFN2 protein function with a positive predictive value of 95%. Experimental studies have shown that this missense change affects MFN2 function (PMID: 17215403, 17296794, 20335458, 20418531, 21285398, 22442078). For these reasons, this variant has been classified as Pathogenic.

Clinical Genetics Laboratory, University Hospital Schleswig-Holstein
Classification: Pathogenic for Charcot-Marie-Tooth disease type 2A2. Last evaluated: 2025-10-01. Review status: criteria provided, single submitter. Criteria: ACMG Guidelines, 2015. Collection method: clinical testing. Allele origin: germline. Affected: yes. Observed: 1 heterozygote.
Comment: ACMG criteria applied: PM2, PS4, PP3, PM5, PS3, PP1_Strong, PS2

3billion
Classification: Pathogenic for Charcot-Marie-Tooth disease type 2A2. Last evaluated: 2025-09-10. Review status: criteria provided, single submitter. Criteria: ACMG Guidelines, 2015. Collection method: clinical testing. Allele origin: germline. Affected: yes.
Comment: The variant is not observed in the gnomAD v4.1.0 dataset. Predicted Consequence/Location: Missense variant Functional studies provide strong evidence of the variant having a damaging effect on the gene or gene product (PMID: 30659145, 31640251). In silico tool predictions suggest damaging effect of the variant on gene or gene product [REVEL: 0.93 (>=0.6, sensitivity 0.68 and specificity 0.92); 3Cnet: 0.99 (> 0.75, sensitivity 0.96 and precision 0.92)]. The same nucleotide change resulting in the same amino acid change has been previously reported as pathogenic/likely pathogenic with strong evidence (ClinVar ID: VCV000002268 /PMID: 15064763). Different missense changes at the same codon (p.Arg94Gly, p.Arg94Leu, p.Arg94Pro, p.Arg94Trp) have been reported as pathogenic/likely pathogenic with strong evidence (ClinVar ID: VCV000002276, VCV000637495, VCV002585245 /PMID: 16437557, 21508331, 24819634, 33415332 /3billion dataset). Therefore, this variant is classified as Pathogenic according to the recommendation of ACMG/AMP guideline.

Clinical Omics and Informatics (COIN) Unit, Neuroscience Institute, University Of Cape Town
Classification: Pathogenic for Charcot-Marie-Tooth disease type 2A2. Last evaluated: 2025-05-14. Review status: criteria provided, single submitter. Criteria: ACMG Guidelines, 2015. Collection method: research. Allele origin: germline. Inheritance: Autosomal dominant inheritance. Affected: yes. Observed: 1 variant allele, 1 heterozygote.
Comment: Variant is absent from gnomAD v4 (coverage >20X confirmed) and the AGVD database. PP1_Strong: 13 informative meiosis in 1 family (PMID:24604904). PP2 Met: Missense Z-score is 3.23. PP3_Moderate: Revel score is 0.926. PM5 Met: p.Arg94Gly and p.Arg94Trp have been reported as pathogenic (ClinVar: VCV000637495.36, VCV000002276.44). PS3_Supporting: The MFN2 p.Arg94Gln variant has been functionally characterized in knock-in mouse models, demonstrating deficient mitochondrial membrane potential, aberrant mitochondrial morphology, loss of mitochondrial fusion and altered axonal mitochondria in the sciatic nerve. Studies on MFN2 mutations in CMT2A show that these variants disrupt mitochondrial fusion and neuronal function (PMID: 17296794). PS4_Met: More than 10 unrelated probands with consistent phenotype for disorder (PMID: 17437620, 20350294,19889647, ClinVar VCV000002268.53). Sequencing funded by the International Centre for Genomic Medicine in Neuromuscular Diseases (ICGNMD).

Dasa
Classification: Pathogenic. Last evaluated: 2024-05-07. Review status: criteria provided, single submitter. Criteria: DASA Assertion Criteria. Collection method: clinical testing. Allele origin: germline.
Comment: NM_014874.4(MFN2):c.281G>A (p.Arg94Gln) is a missense variant that results in the substitution of arginine with glutamine. Functional evidence supports a deleterious effect on the gene or gene product (PMID: 17215403; PMID: 17296794; PMID: 17437620; PMID: 20418531; PMID: 21285398). This variant has been recurrently observed in individuals with related phenotype (PMID: 17215403; PMID: 17296794; PMID: 17437620; PMID: 20418531; PMID: 21285398). Segregation evidence has been reported in affected families. Based on the available data, this variant is classified as pathogenic.

Baylor Genetics
Classification: Pathogenic for Neuropathy, hereditary motor and sensory, type 6A. Last evaluated: 2023-08-15. Review status: criteria provided, single submitter. Criteria: ACMG Guidelines, 2015. Collection method: clinical testing. Allele origin: unknown.

Baylor Genetics
Classification: Pathogenic for Charcot-Marie-Tooth disease type 2A2. Last evaluated: 2023-08-15. Review status: criteria provided, single submitter. Criteria: ACMG Guidelines, 2015. Collection method: clinical testing. Allele origin: unknown.

Baylor Genetics
Classification: Pathogenic for Charcot-Marie-Tooth disease, axonal, autosomal recessive, type 2a2b;. Last evaluated: 2023-08-15. Review status: criteria provided, single submitter. Criteria: ACMG Guidelines, 2015. Collection method: clinical testing. Allele origin: unknown.

NM_014874.4(MFN2):c.281G>A (p.Arg94Gln)

Gene: MFN2 (mitofusin 2; plus strand). Cytogenetic location: 1p36.22.
Variant type: single nucleotide variant.
Coding change: c.281G>A on transcript NM_014874.4 (MANE Select); coding-DNA position 281, G replaced by A.
Protein change: p.Arg94Gln; replaces arginine 94 with glutamine.
Molecular consequence: missense variant.
Genome position (GRCh38, 1-based): chr1:11,992,660, G>A. VCF-style: chr1-11992660-G-A. GRCh37 (hg19) VCF-style: chr1-12052717-G-A.
Other names: chr1-11992660-G-A; c.281G>A, p.Arg94Gln (NM_001127660.2); short protein forms R94Q.
Identifiers: ClinVar variation 2268 (VCV000002268.69), dbSNP rs28940291, ClinGen allele CA252142.
Genomic context (GRCh38, chr1:11,992,660, plus strand): 5'-AGGTTCTGGACGTCAAAGGTTACCTATCCAAAGTGAGAGGCATCAGTGAGGTGCTGGCTC[G>A]GAGGCACATGAAAGTGGCTTTTTTTGGCCGGTAAGTCCTTGAGGCACCCACCCTTTCTTT-3'
Protein context (NP_055689.1, residues 84-104): KVRGISEVLA[Arg94Gln]RHMKVAFFGR